The following is an entry in ClinVar:

NM_001171.6(ABCC6):c.3294C>A (p.Tyr1098Ter)

Gene: ABCC6 (ATP binding cassette subfamily C member 6; minus strand). Cytogenetic location: 16p13.11.
Variant type: single nucleotide variant.
Coding change: c.3294C>A on transcript NM_001171.6 (MANE Select); coding-DNA position 3294, C replaced by A.
Protein change: p.Tyr1098Ter; replaces tyrosine 1098 with a stop codon.
Molecular consequence: nonsense. On other transcripts: non-coding transcript variant (1).
Genome position (GRCh38, 1-based): chr16:16,165,635, G>T on the plus strand (C>A on the coding strand, the complement: ABCC6 is on the minus strand). VCF-style: chr16-16165635-G-T. GRCh37 (hg19) VCF-style: chr16-16259492-G-T.
Other names: c.2952C>A, p.Tyr984Ter (NM_001351800.1); short protein forms Y1098*, Y984*.
Identifiers: ClinVar variation 1452469 (VCV001452469.7), dbSNP rs371889155, ClinGen allele CA394882550.

ClinVar aggregate classification (germline): Pathogenic/Likely pathogenic. Review status: criteria provided, multiple submitters, no conflicts (2 of 4 stars). 2 submissions from 2 submitters: Pathogenic (1); Likely pathogenic (1). Last evaluated 2024-08-18.

gnomAD v4.1: 1 of 1,613,166 alleles (0.000062%); highest among the groups gnomAD compares: Non-Finnish European, 0.000085%; no homozygotes.

Submissions (2):

Labcorp Genetics (formerly Invitae), Labcorp
Classification: Pathogenic. Last evaluated: 2024-08-18. Review status: criteria provided, single submitter. Criteria: Invitae Variant Classification Sherloc (09022015). Collection method: clinical testing. Allele origin: germline.
Comment: This sequence change creates a premature translational stop signal (p.Tyr1098*) in the ABCC6 gene. It is expected to result in an absent or disrupted protein product. Loss-of-function variants in ABCC6 are known to be pathogenic (PMID: 11536079, 17617515). This variant is not present in population databases (gnomAD no frequency). This variant has not been reported in the literature in individuals affected with ABCC6-related conditions. ClinVar contains an entry for this variant (Variation ID: 1452469). Algorithms developed to predict the effect of sequence changes on RNA splicing suggest that this variant may disrupt the consensus splice site. For these reasons, this variant has been classified as Pathogenic.

GeneDx
Classification: Likely pathogenic. Last evaluated: 2022-03-24. Review status: criteria provided, single submitter. Criteria: GeneDx Variant Classification Process June 2021. Collection method: clinical testing. Allele origin: germline. Affected: yes.
Comment: Nonsense variant predicted to result in protein truncation or nonsense mediated decay in a gene for which loss of function is a known mechanism of disease; Not observed at significant frequency in large population cohorts (gnomAD); Has not been previously published as pathogenic or benign to our knowledge

Literature cited by the submitters: PubMed 11536079 (cited by Labcorp Genetics (formerly Invitae), Labcorp); PubMed 17617515 (cited by Labcorp Genetics (formerly Invitae), Labcorp).